The following is an entry in ClinVar:

NM_020297.4(ABCC9):c.3095del (p.Gln1032fs)

Gene: ABCC9 (ATP binding cassette subfamily C member 9; minus strand). Cytogenetic location: 12p12.1.
Variant type: Deletion.
Coding change: c.3095del on transcript NM_020297.4 (MANE Select); coding-DNA position 3095, one base deleted (A; older notation c.3095delA).
Protein change: p.Gln1032fs; shifts the reading frame from glutamine 1032.
Molecular consequence: frameshift variant.
Genome position (GRCh38, 1-based): chr12:21,845,604, T deleted on the plus strand (A on the coding strand, the reverse complement: ABCC9 is on the minus strand). VCF-style (leftmost placement, unchanged base first): chr12-21845603-CT-C. GRCh37 (hg19) VCF-style: chr12-21998537-CT-C.
Other names: c.3095del, p.Gln1032fs (NM_001377273.1, NM_005691.4); c.2228del, p.Gln743fs (NM_001377274.1); short protein forms Q1032fs, Q743fs.
Identifiers: ClinVar variation 4860859 (VCV004860859.2).

ClinVar aggregate classification (germline): Conflicting classifications of pathogenicity. Review status: criteria provided, conflicting classifications (1 of 4 stars). 2 submissions from 2 submitters: Likely pathogenic (1); Uncertain significance (1). Last evaluated 2026-08-06.

Conditions:
Cardiovascular phenotype. Identifiers: MedGen CN230736.

Submissions (2):

OLLIN Analises Genomicas, OLLIN
Classification: Likely pathogenic. Last evaluated: 2026-08-06. Review status: criteria provided, single submitter. Criteria: ACMG Guidelines 2015 PMID 25741868. Collection method: clinical testing. Allele origin: germline.
Comment: This frameshift variant, located in exon 26 (of 40), has been observed in gnomAD with an allele frequency of 0.00012%, but has not been reported in ClinVar or identified in the literature. This variant causes a frameshift and introduces a premature stop codon, which is predicted to result in either a truncated protein or degradation of the mRNA via nonsense-mediated decay (NMD). According to the currently available evidence, this variant has been classified as likely pathogenic (PVS1, PM2_P).

Ambry Genetics
Classification: Uncertain significance for Cardiovascular phenotype. Last evaluated: 2026-05-21. Review status: criteria provided, single submitter. Criteria: Ambry Variant Classification Scheme 2023. Collection method: clinical testing. Allele origin: germline.
Comment: The c.3095delA variant, located in coding exon 24 of the ABCC9 gene, results from a deletion of one nucleotide at nucleotide position 3095, causing a translational frameshift with a predicted alternate stop codon (p.Q1032Rfs*26). This alteration is expected to result in loss of function by premature protein truncation or nonsense-mediated mRNA decay. Although biallelic loss of function of ABCC9 has been associated with autosomal recessive ABCC9-related neurodevelopmental myopathy syndrome, haploinsufficiency of ABCC9 has not been established as a mechanism of disease for autosomal dominant ABCC9-related Cantu syndrome. Based on the supporting evidence, this variant is expected to be causative of autosomal recessive ABCC9-related neurodevelopmental myopathy syndrome when present along with a second pathogenic variant on the other allele; however, its clinical significance for autosomal dominant ABCC9-related Cantu syndrome is unclear.